The following is an entry in ClinVar:

NM_001242896.3(DEPDC5):c.3384A>G (p.Ile1128Met)

Gene: DEPDC5 (DEP domain containing 5, GATOR1 subcomplex subunit; plus strand). Cytogenetic location: 22q12.3.
Variant type: single nucleotide variant.
Coding change: c.3384A>G on transcript NM_001242896.3 (MANE Select); coding-DNA position 3384, A replaced by G.
Protein change: p.Ile1128Met; replaces isoleucine 1128 with methionine.
Molecular consequence: missense variant. On other transcripts: non-coding transcript variant (5).
Genome position (GRCh38, 1-based): chr22:31,870,643, A>G. VCF-style: chr22-31870643-A-G. GRCh37 (hg19) VCF-style: chr22-32266629-A-G.
Other names: c.3357A>G, p.Ile1119Met (NM_001136029.4); c.3084A>G, p.Ile1028Met (NM_001242897.2); c.3318A>G, p.Ile1106Met (NM_001363852.2, NM_001364320.2); c.3150A>G, p.Ile1050Met (NM_001363854.2, NM_001364319.2); c.3384A>G, p.Ile1128Met (NM_001364318.2); c.3300A>G, p.Ile1100Met (NM_001369901.1, NM_001369902.1); c.3291A>G, p.Ile1097Met (NM_001369903.1, NM_014662.6); short protein forms I1028M, I1050M, I1097M, I1100M, I1106M, I1119M, I1128M.
Identifiers: ClinVar variation 3626690 (VCV003626690.2).
Genomic context (GRCh38, chr22:31,870,643, plus strand): 5'-CCTGCAGGTATCTGTGGACCAAACAGCCACTCCTATGTTGGACGGCACCAGTTTGGGCAT[A>G]TGCACAGGCCAATCCATGGACAGAGGCAACAGCCAGACCTTTGGGAACTCCCAGAACATA-3'
Protein context (NP_001229825.1, residues 1118-1138): TPMLDGTSLG[Ile1128Met]CTGQSMDRGN

ClinVar aggregate classification (germline): Uncertain significance (1 of 4 stars; one submission).

Conditions:
Familial focal epilepsy with variable foci (FPEVF). Identifiers: Orphanet 98820, MedGen C1858477, MONDO:0020310.

Submission:

Labcorp Genetics (formerly Invitae), Labcorp
Classification: Uncertain significance for Familial focal epilepsy with variable foci. Last evaluated: 2024-12-09. Review status: criteria provided, single submitter. Criteria: Invitae Variant Classification Sherloc (09022015). Collection method: clinical testing. Allele origin: germline.
Comment: This sequence change replaces isoleucine, which is neutral and non-polar, with methionine, which is neutral and non-polar, at codon 1128 of the DEPDC5 protein (p.Ile1128Met). This variant is not present in population databases (gnomAD no frequency). This variant has not been reported in the literature in individuals affected with DEPDC5-related conditions. Experimental studies and prediction algorithms are not available or were not evaluated, and the functional significance of this variant is currently unknown. In summary, the available evidence is currently insufficient to determine the role of this variant in disease. Therefore, it has been classified as a Variant of Uncertain Significance.